The following is an entry in ClinVar:

NM_000070.3(CAPN3):c.2081T>G (p.Leu694Arg)

Gene: CAPN3 (calpain 3; plus strand). Cytogenetic location: 15q15.1.
Variant type: single nucleotide variant.
Coding change: c.2081T>G on transcript NM_000070.3 (MANE Select); coding-DNA position 2081, T replaced by G.
Protein change: p.Leu694Arg; replaces leucine 694 with arginine.
Molecular consequence: missense variant.
Genome position (GRCh38, 1-based): chr15:42,409,961, T>G. VCF-style: chr15-42409961-T-G. GRCh37 (hg19) VCF-style: chr15-42702159-T-G.
Other names: c.2063T>G, p.Leu688Arg (NM_024344.2); c.1805T>G, p.Leu602Arg (NM_173087.2); c.545T>G, p.Leu182Arg (NM_173088.2); c.86T>G, p.Leu29Arg (NM_173089.2, NM_173090.2); short protein forms L182R, L29R, L602R, L688R, L694R.
Identifiers: ClinVar variation 946817 (VCV000946817.10), dbSNP rs1355979542, ClinGen allele CA392001520.

ClinVar aggregate classification (germline): Uncertain significance. Review status: criteria provided, single submitter (1 of 4 stars). 2 submissions from 2 submitters: Uncertain significance (1). 1 of the submissions does not count toward it. Last evaluated 2022-07-11.

Conditions:
Autosomal recessive limb-girdle muscular dystrophy type 2A (LGMDR1). Also called: Calpainopathy; Muscular dystrophy, limb-girdle, type 2A, Amish; LEYDEN-MOEBIUS MUSCULAR DYSTROPHY; MUSCULAR DYSTROPHY, PELVOFEMORAL; Limb-girdle muscular dystrophy, type 2A. Identifiers: Orphanet 267, MedGen C1869123, MONDO:0009675, OMIM 253600. Disease mechanism: loss of function.

Allele frequency attached by ClinVar (database versions not stated): gnomAD 0.00004; TOPMed 0.00004.
gnomAD v4.1: 14 of 1,612,170 alleles (0.00087%); highest among the groups gnomAD compares: Admixed American, 0.015%; no homozygotes.

Submissions (2):

Labcorp Genetics (formerly Invitae), Labcorp
Classification: Uncertain significance for Autosomal recessive limb-girdle muscular dystrophy type 2A. Last evaluated: 2022-07-11. Review status: criteria provided, single submitter. Criteria: Invitae Variant Classification Sherloc (09022015). Collection method: clinical testing. Allele origin: germline.
Comment: This sequence change replaces leucine, which is neutral and non-polar, with arginine, which is basic and polar, at codon 694 of the CAPN3 protein (p.Leu694Arg). This variant is present in population databases (no rsID available, gnomAD 0.01%). This variant has not been reported in the literature in individuals affected with CAPN3-related conditions. ClinVar contains an entry for this variant (Variation ID: 946817). Algorithms developed to predict the effect of missense changes on protein structure and function (SIFT, PolyPhen-2, Align-GVGD) all suggest that this variant is likely to be disruptive. In summary, the available evidence is currently insufficient to determine the role of this variant in disease. Therefore, it has been classified as a Variant of Uncertain Significance.

Natera, Inc.
Classification: Uncertain significance for Limb-girdle muscular dystrophy type 2A. Last evaluated: 2021-06-20. Review status: no assertion criteria provided. Collection method: clinical testing. Allele origin: germline. Not counted in ClinVar's aggregate classification.